The following is an entry in ClinVar:

NM_014989.7(RIMS1):c.835G>C (p.Glu279Gln)

Gene: RIMS1 (regulating synaptic membrane exocytosis 1; plus strand). Cytogenetic location: 6q13.
Variant type: single nucleotide variant.
Coding change: c.835G>C on transcript NM_014989.7 (MANE Select); coding-DNA position 835, G replaced by C.
Protein change: p.Glu279Gln; replaces glutamic acid 279 with glutamine.
Molecular consequence: missense variant.
Genome position (GRCh38, 1-based): chr6:72,182,306, G>C. VCF-style: chr6-72182306-G-C. GRCh37 (hg19) VCF-style: chr6-72892009-G-C.
Other names: short protein forms E279Q.
Identifiers: ClinVar variation 1417442 (VCV001417442.7), dbSNP rs2048512084, ClinGen allele CA364819600.

ClinVar aggregate classification (germline): Uncertain significance. Review status: criteria provided, multiple submitters, no conflicts (2 of 4 stars). 2 submissions from 2 submitters: Uncertain significance (2). Last evaluated 2022-04-07.

Submissions (2):

Labcorp Genetics (formerly Invitae), Labcorp
Classification: Uncertain significance. Last evaluated: 2022-04-07. Review status: criteria provided, single submitter. Criteria: Invitae Variant Classification Sherloc (09022015). Collection method: clinical testing. Allele origin: germline.
Comment: In summary, the available evidence is currently insufficient to determine the role of this variant in disease. Therefore, it has been classified as a Variant of Uncertain Significance. Algorithms developed to predict the effect of missense changes on protein structure and function are either unavailable or do not agree on the potential impact of this missense change (SIFT: "Deleterious"; PolyPhen-2: "Possibly Damaging"; Align-GVGD: "Class C0"). This variant has not been reported in the literature in individuals affected with RIMS1-related conditions. This variant is not present in population databases (gnomAD no frequency). This sequence change replaces glutamic acid, which is acidic and polar, with glutamine, which is neutral and polar, at codon 279 of the RIMS1 protein (p.Glu279Gln).

Blueprint Genetics
Classification: Uncertain significance. Last evaluated: 2019-04-25. Review status: criteria provided, single submitter. Criteria: ACMG Guidelines, 2015. Collection method: clinical testing. Allele origin: germline.